The following is an entry in ClinVar:

ClinVar aggregate classification (germline): Uncertain significance. Review status: criteria provided, multiple submitters, no conflicts (2 of 4 stars). 2 submissions from 2 submitters: Uncertain significance (2). Last evaluated 2025-10-15.

Conditions:
CREBBP-related disorder. Also called: CREBBP-related condition; CREBBP-related disorders.

gnomAD v4.1: 7 of 1,614,188 alleles (0.00043%); highest among the groups gnomAD compares: Non-Finnish European, 0.00059%; no homozygotes.

Submissions (2):

PreventionGenetics, part of Exact Sciences
Classification: Uncertain significance for CREBBP-related condition. Last evaluated: 2025-10-15. Review status: criteria provided, single submitter. Criteria: ACMG Guidelines, 2015. Collection method: clinical testing. Allele origin: germline.
Comment: The CREBBP c.2924C>A variant is predicted to result in the amino acid substitution p.Pro975His. To our knowledge, this variant has not been reported in the literature or in a large population database (gnomAD), indicating this variant is rare. At this time, the clinical significance of this variant is uncertain due to the absence of conclusive functional and genetic evidence.

GeneDx
Classification: Uncertain significance. Last evaluated: 2022-06-22. Review status: criteria provided, single submitter. Criteria: GeneDx Variant Classification Process June 2021. Collection method: clinical testing. Allele origin: germline. Affected: yes.
Comment: Not observed at significant frequency in large population cohorts (gnomAD); In silico analysis supports that this missense variant has a deleterious effect on protein structure/function; Has not been previously published as pathogenic or benign to our knowledge

NM_004380.3(CREBBP):c.2924C>A (p.Pro975His)

Gene: CREBBP (CREB binding lysine acetyltransferase; minus strand). Cytogenetic location: 16p13.3.
Variant type: single nucleotide variant.
Coding change: c.2924C>A on transcript NM_004380.3 (MANE Select); coding-DNA position 2924, C replaced by A.
Protein change: p.Pro975His; replaces proline 975 with histidine.
Molecular consequence: missense variant.
Genome position (GRCh38, 1-based): chr16:3,769,310, G>T on the plus strand (C>A on the coding strand, the complement: CREBBP is on the minus strand). VCF-style: chr16-3769310-G-T. GRCh37 (hg19) VCF-style: chr16-3819311-G-T.
Other names: c.2810C>A, p.Pro937His (NM_001079846.1); short protein forms P937H, P975H.
Identifiers: ClinVar variation 1806823 (VCV001806823.2), dbSNP rs1466424348, ClinGen allele CA394549849.